The following is an entry in ClinVar:

NM_000092.5(COL4A4):c.2907A>C (p.Ser969=)

Gene: COL4A4 (collagen type IV alpha 4 chain; minus strand). Cytogenetic location: 2q36.3.
Variant type: single nucleotide variant.
Coding change: c.2907A>C on transcript NM_000092.5 (MANE Select); coding-DNA position 2907, A replaced by C.
Protein change: p.Ser969=; no amino-acid change (serine 969 retained).
Molecular consequence: synonymous variant.
Genome position (GRCh38, 1-based): chr2:227,052,366, T>G on the plus strand (A>C on the coding strand, the complement: COL4A4 is on the minus strand). VCF-style: chr2-227052366-T-G. GRCh37 (hg19) VCF-style: chr2-227917082-T-G.
Identifiers: ClinVar variation 509133 (VCV000509133.28), dbSNP rs116354015, ClinGen allele CA2144684.

ClinVar aggregate classification (germline): Benign/Likely benign. Review status: criteria provided, multiple submitters, no conflicts (2 of 4 stars). 9 submissions from 9 submitters: Benign (5); Likely benign (2). 2 of the submissions do not count toward it. Last evaluated 2026-02-04.

Conditions:
Kidney disorder. Also called: renal disorder; Kidney disease; Kidney Diseases; Nephropathy; renal disease. Identifiers: MedGen C0022658, MONDO:0005240, HP:0000112.
Alport syndrome. Also called: Hemorrhagic familial nephritis; Hemorrhagic hereditary nephritis; Congenital hereditary hematuria. Identifiers: Orphanet 63, MedGen C1567741, MONDO:0018965.

Allele frequency attached by ClinVar (database versions not stated): gnomAD exomes 0.00048 and 0.00115; ExAC 0.00128; ESP Exome Variant Server 0.00396; 1000 Genomes Project 30x 0.00453; 1000 Genomes Project 0.00459; gnomAD 0.00475 and 0.00506; TOPMed 0.00495.
gnomAD v4.1: 1,467 of 1,613,480 alleles (0.091%); highest among the groups gnomAD compares: African/African-American, 1.6%; 13 homozygotes.

Submissions (9):

Labcorp Genetics (formerly Invitae), Labcorp
Classification: Benign. Last evaluated: 2026-02-04. Review status: criteria provided, single submitter. Criteria: Invitae Variant Classification Sherloc (09022015). Collection method: clinical testing. Allele origin: germline.

Athena Diagnostics
Classification: Benign. Last evaluated: 2024-07-30. Review status: criteria provided, single submitter. Criteria: Athena Diagnostics Criteria. Collection method: clinical testing. Allele origin: unknown.

GeneDx
Classification: Benign. Last evaluated: 2019-07-22. Review status: criteria provided, single submitter. Criteria: GeneDx Variant Classification Process June 2021. Collection method: clinical testing. Allele origin: germline. Affected: yes.

Genome Diagnostics Laboratory, The Hospital for Sick Children
Classification: Benign for Kidney disorder. Last evaluated: 2018-05-01. Review status: criteria provided, single submitter. Criteria: ACMG Guidelines, 2015. Collection method: clinical testing. Allele origin: germline.

Illumina Laboratory Services, Illumina
Classification: Likely benign for Alport syndrome. Last evaluated: 2018-01-13. Review status: criteria provided, single submitter. Criteria: ICSL Variant Classification Criteria 13 December 2019. Collection method: clinical testing. Allele origin: germline.
Comment: This variant was observed in the ICSL laboratory as part of a predisposition screen in an ostensibly healthy population. It had not been previously curated by ICSL or reported in the Human Gene Mutation Database (HGMD: prior to June 1st, 2018), and was therefore a candidate for classification through an automated scoring system. Utilizing variant allele frequency, disease prevalence and penetrance estimates, and inheritance mode, an automated score was calculated to assess if this variant is too frequent to cause the disease. Based on the score and internal cut-off values, a variant classified as likely benign is not then subjected to further curation. The score for this variant resulted in a classification of likely benign for this disease.

Laboratory for Molecular Medicine, Mass General Brigham Personalized Medicine
Classification: Benign. Last evaluated: 2016-03-21. Review status: criteria provided, single submitter. Criteria: LMM Criteria. Collection method: clinical testing. Allele origin: germline. Observed: 1 variant allele.
Comment: p.Ser969Ser in exon 32 of COL4A4: This variant is not expected to have clinical significance because it does not alter an amino acid residue, is not located wit hin the splice consensus sequence, and has been identified in 1.39% (136/9802) o f African chromosomes by the Exome Aggregation Consortium (ExAC; dbSNP rs116354015).

Breakthrough Genomics
Classification: Likely benign. Review status: criteria provided, single submitter. Criteria: ACMG Guidelines, 2015. Collection method: not provided. Allele origin: germline. Inheritance: Autosomal recessive inheritance. Affected: yes.

Genome Diagnostics Laboratory, University Medical Center Utrecht
Classification: Likely benign. Review status: no assertion criteria provided. Collection method: clinical testing. Allele origin: germline. Affected: yes. Study: VKGL Data-share Consensus. Not counted in ClinVar's aggregate classification.

Joint Genome Diagnostic Labs from Nijmegen and Maastricht, Radboudumc and MUMC+
Classification: Likely benign. Review status: no assertion criteria provided. Collection method: clinical testing. Allele origin: germline. Affected: yes. Study: VKGL Data-share Consensus. Not counted in ClinVar's aggregate classification.